The following is an entry in ClinVar:

ClinVar aggregate classification (germline): Conflicting classifications of pathogenicity. Review status: criteria provided, conflicting classifications (1 of 4 stars). 3 submissions from 3 submitters: Uncertain significance (1); Likely benign (1). 1 of the submissions does not count toward it. Last evaluated 2025-03-30.

Conditions:
MRAS-related disorder. Also called: MRAS-related condition.

Submissions (3):

Labcorp Genetics (formerly Invitae), Labcorp
Classification: Uncertain significance. Last evaluated: 2025-03-30. Review status: criteria provided, single submitter. Criteria: Invitae Variant Classification Sherloc (09022015). Collection method: clinical testing. Allele origin: germline.
Comment: This variant, c.564_566del, results in the deletion of 1 amino acid(s) of the MRAS protein (p.Lys189del), but otherwise preserves the integrity of the reading frame. The frequency data for this variant in the population databases is considered unreliable, as metrics indicate poor data quality at this position in the gnomAD database. This variant has not been reported in the literature in individuals affected with MRAS-related conditions. Experimental studies and prediction algorithms are not available or were not evaluated, and the functional significance of this variant is currently unknown. In summary, the available evidence is currently insufficient to determine the role of this variant in disease. Therefore, it has been classified as a Variant of Uncertain Significance.

Women's Health and Genetics/Laboratory Corporation of America, LabCorp
Classification: Likely benign. Last evaluated: 2024-05-13. Review status: criteria provided, single submitter. Criteria: LabCorp Variant Classification Summary - May 2015. Collection method: clinical testing. Allele origin: germline.
Comment: Variant summary: MRAS c.564_566delGAA (p.Lys189del) results in an in-frame deletion that is predicted to remove one amino acids from the encoded protein. The variant allele was found at a frequency of 4.2e-05 in 1613776 control chromosomes, predominantly at a frequency of 5e-05 within the Non-Finnish European subpopulation in the gnomAD database (v4.0.0). The observed variant frequency within Non-Finnish European control individuals in the gnomAD database is approximately 20 fold of the estimated maximal expected allele frequency for a pathogenic variant in MRAS causing Noonan Syndrome And Related Conditions phenotype (2.5e-06), strongly suggesting that the variant is a benign polymorphism found primarily in populations of Non-Finnish European origin. To our knowledge, no occurrence of c.564_566delGAA in individuals affected with Noonan Syndrome And Related Conditions and no experimental evidence demonstrating its impact on protein function have been reported. Co-occurrences with other pathogenic variant(s) have been reported (RIT1 c.242A>G, p.Glu81Gly), providing supporting evidence for a benign role. ClinVar contains an entry for this variant (Variation ID: 917547). Based on the evidence outlined above, the variant was classified as likely benign.

PreventionGenetics, part of Exact Sciences
Classification: Uncertain significance for MRAS-related condition. Last evaluated: 2023-12-18. Review status: no assertion criteria provided. Collection method: clinical testing. Allele origin: germline. Not counted in ClinVar's aggregate classification.
Comment: The MRAS c.564_566delGAA variant is predicted to result in an in-frame deletion (p.Lys189del). To our knowledge, this variant has not been reported in the literature. This variant is reported in 0.0062% of alleles in individuals of European (Non-Finnish) descent in gnomAD. At this time, the clinical significance of this variant is uncertain due to the absence of conclusive functional and genetic evidence.

NM_001085049.3(MRAS):c.552GAA[4] (p.Lys189del)

Gene: MRAS (muscle RAS oncogene homolog; plus strand). Cytogenetic location: 3q22.3.
Variant type: Microsatellite.
Coding change: c.552GAA[4] on transcript NM_001085049.3 (MANE Select); four copies in a row of the 3-base unit GAA starting at c.552; the reference has five copies in a row; one copy, 3 bases deleted.
Protein change: p.Lys189del; deletes lysine 189.
Molecular consequence: inframe deletion.
Genome position (GRCh38, 1-based): chr3:138,402,206-138,402,208, GAA deleted; deleting any 3 consecutive bases within chr3:138,402,193-138,402,208 gives the same sequence; the position shown is the placement nearest the transcript's 3' end. VCF-style (leftmost placement, unchanged base first): chr3-138402192-CAGA-C. GRCh37 (hg19) VCF-style: chr3-138121034-CAGA-C.
Other names: c.552GAA[4], p.Lys189del (NM_001252090.2, NM_012219.4); c.324GAA[4], p.Lys113del (NM_001252091.1, NM_001252092.2, NM_001252093.2); c.564_566delGAA (NM_012219.4); short protein forms K113del, K189del.
Identifiers: ClinVar variation 917547 (VCV000917547.15), dbSNP rs752298978, ClinGen allele CA2637061.